The following is an entry in ClinVar:

NM_005751.5(AKAP9):c.11596C>G (p.Gln3866Glu)

Gene: AKAP9 (A-kinase anchoring protein 9; plus strand). Cytogenetic location: 7q21.2.
Variant type: single nucleotide variant.
Coding change: c.11596C>G on transcript NM_005751.5 (MANE Select); coding-DNA position 11596, C replaced by G.
Protein change: p.Gln3866Glu; replaces glutamine 3866 with glutamic acid.
Molecular consequence: missense variant.
Genome position (GRCh38, 1-based): chr7:92,108,543, C>G. VCF-style: chr7-92108543-C-G. GRCh37 (hg19) VCF-style: chr7-91737857-C-G.
Other names: c.6241C>G, p.Gln2081Glu (NM_001379277.1); c.11572C>G, p.Gln3858Glu (NM_147185.3); short protein forms Q2081E, Q3858E, Q3866E.
Identifiers: ClinVar variation 1036339 (VCV001036339.8), dbSNP rs1352511944, ClinGen allele CA368165266.

ClinVar aggregate classification (germline): Uncertain significance (1 of 4 stars; one submission).

Conditions:
Long QT syndrome (LQTS). Identifiers: MedGen C0023976, MeSH D008133, MONDO:0002442. Disease mechanism: loss of function. Inheritance: Various modes of inheritance.

gnomAD v4.1: 3 of 1,614,150 alleles (0.00019%); highest among the groups gnomAD compares: Non-Finnish European, 0.00025%; no homozygotes.

Submission:

Labcorp Genetics (formerly Invitae), Labcorp
Classification: Uncertain significance for Long QT syndrome. Last evaluated: 2020-08-27. Review status: criteria provided, single submitter. Criteria: Invitae Variant Classification Sherloc (09022015). Collection method: clinical testing. Allele origin: germline.
Comment: Algorithms developed to predict the effect of missense changes on protein structure and function (SIFT, PolyPhen-2, Align-GVGD) all suggest that this variant is likely to be tolerated, but these predictions have not been confirmed by published functional studies and their clinical significance is uncertain. In summary, the available evidence is currently insufficient to determine the role of this variant in disease. Therefore, it has been classified as a Variant of Uncertain Significance. This variant has not been reported in the literature in individuals with AKAP9-related conditions. This sequence change replaces glutamine with glutamic acid at codon 3866 of the AKAP9 protein (p.Gln3866Glu). The glutamine residue is moderately conserved and there is a small physicochemical difference between glutamine and glutamic acid. This variant is not present in population databases (ExAC no frequency).